The following is an entry in ClinVar:

NM_000642.3(AGL):c.500dup (p.Leu168fs)

Gene: AGL (amylo-alpha-1,6-glucosidase and 4-alpha-glucanotransferase; plus strand). Cytogenetic location: 1p21.2.
Variant type: Duplication.
Coding change: c.500dup on transcript NM_000642.3 (MANE Select); coding-DNA position 500, one base duplicated (G; older notation c.500dupG).
Protein change: p.Leu168fs; shifts the reading frame from leucine 168.
Molecular consequence: frameshift variant.
Genome position (GRCh38, 1-based): chr1:99,864,425, G duplicated; the last of 2 consecutive G bases (chr1:99,864,424-99,864,425); duplicating either gives the same sequence. VCF-style (leftmost placement, unchanged base first): chr1-99864423-T-TG. GRCh37 (hg19) VCF-style: chr1-100329979-T-TG.
Other names: c.500dupG (NM_000642.2); c.500dup, p.Leu168Thrfs (NM_000028.3, NM_000643.3, NM_000644.3 and 3 more transcripts); c.452dup, p.Leu152Thrfs (NM_000646.3); c.122dup, p.Leu42Thrfs (NM_001425332.1); short protein forms L168fs, L152fs.
Identifiers: ClinVar variation 550843 (VCV000550843.14), dbSNP rs1443902661, ClinGen allele CA524878393.

ClinVar aggregate classification (germline): Pathogenic. Review status: criteria provided, multiple submitters, no conflicts (2 of 4 stars). 3 submissions from 3 submitters: Pathogenic (2). 1 of the submissions does not count toward it. Last evaluated 2025-02-20.

Conditions:
Glycogen storage disease type III (GSD3). Also called: FORBES DISEASE; Cori disease. Identifiers: Orphanet 366, MedGen C0017922, MONDO:0009291, OMIM 232400.

Submissions (3):

Labcorp Genetics (formerly Invitae), Labcorp
Classification: Pathogenic for Glycogen storage disease type III. Last evaluated: 2025-02-20. Review status: criteria provided, single submitter. Criteria: Invitae Variant Classification Sherloc (09022015). Collection method: clinical testing. Allele origin: germline.
Comment: This sequence change creates a premature translational stop signal (p.Leu168Thrfs*3) in the AGL gene. It is expected to result in an absent or disrupted protein product. Loss-of-function variants in AGL are known to be pathogenic (PMID: 19299494). This variant is present in population databases (no rsID available, gnomAD 0.002%). This premature translational stop signal has been observed in individual(s) with glycogen storage disease (PMID: 27106217). This variant is also known as c.500_501insG. ClinVar contains an entry for this variant (Variation ID: 550843). Algorithms developed to predict the effect of sequence changes on RNA splicing suggest that this variant may disrupt the consensus splice site. For these reasons, this variant has been classified as Pathogenic.

Genome-Nilou Lab
Classification: Pathogenic for Glycogen storage disease type III. Last evaluated: 2021-07-15. Review status: criteria provided, single submitter. Criteria: ACMG Guidelines, 2015. Collection method: clinical testing. Allele origin: germline. Affected: no.

Counsyl
Classification: Likely pathogenic for Glycogen storage disease type III. Last evaluated: 2017-02-24. Review status: no assertion criteria provided. Collection method: clinical testing. Allele origin: unknown. Not counted in ClinVar's aggregate classification.

Literature cited by the submitters: PubMed 19299494 (cited by Labcorp Genetics (formerly Invitae), Labcorp); PubMed 27106217 (cited by Labcorp Genetics (formerly Invitae), Labcorp and Counsyl).